The following is an entry in ClinVar:

ClinVar aggregate classification (germline): Uncertain significance (1 of 4 stars; one submission).

Submission:

Ambry Genetics
Classification: Uncertain significance. Last evaluated: 2022-04-19. Review status: criteria provided, single submitter. Criteria: Ambry Variant Classification Scheme 2023. Collection method: clinical testing. Allele origin: germline.
Comment: The p.L542V variant (also known as c.1624C>G), located in coding exon 10 of the MYOM1 gene, results from a C to G substitution at nucleotide position 1624. The leucine at codon 542 is replaced by valine, an amino acid with highly similar properties. This amino acid position is conserved. In addition, this alteration is predicted to be tolerated by in silico analysis. Since supporting evidence is limited at this time, the clinical significance of this alteration remains unclear.

NM_003803.4(MYOM1):c.1624C>G (p.Leu542Val)

Gene: MYOM1 (myomesin 1; minus strand). Cytogenetic location: 18p11.31.
Variant type: single nucleotide variant.
Coding change: c.1624C>G on transcript NM_003803.4 (MANE Select); coding-DNA position 1624, C replaced by G.
Protein change: p.Leu542Val; replaces leucine 542 with valine.
Molecular consequence: missense variant.
Genome position (GRCh38, 1-based): chr18:3,154,966, G>C on the plus strand (C>G on the coding strand, the complement: MYOM1 is on the minus strand). VCF-style: chr18-3154966-G-C. GRCh37 (hg19) VCF-style: chr18-3154964-G-C.
Other names: c.1624C>G, p.Leu542Val (NM_019856.2); short protein forms L542V.
Identifiers: ClinVar variation 1776662 (VCV001776662.2), dbSNP rs2510673605, ClinGen allele CA401714463.
Genomic context (GRCh38, chr18:3,154,966, plus strand): 5'-ATGACCAAATAACTGTAATTGATGTTAGCCTAAGCACTAACTTATCAATAAAATATCCGA[G>C]AATAGGACTCCCTCCATCGACAGCTGGCTGTTTCCAGGAGATGATGATATAATCTTTGTT-3'
Protein context (NP_003794.3, residues 532-552): QPAVDGGSPI[Leu542Val]GYFIDKCEVG